The following is an entry in ClinVar:

NM_016507.4(CDK12):c.3971G>A (p.Arg1324Lys)

Gene: CDK12 (cyclin dependent kinase 12; plus strand). Cytogenetic location: 17q12.
Variant type: single nucleotide variant.
Coding change: c.3971G>A on transcript NM_016507.4 (MANE Select); coding-DNA position 3971, G replaced by A.
Protein change: p.Arg1324Lys; replaces arginine 1324 with lysine.
Molecular consequence: missense variant.
Genome position (GRCh38, 1-based): chr17:39,530,814, G>A. VCF-style: chr17-39530814-G-A. GRCh37 (hg19) VCF-style: chr17-37687067-G-A.
Other names: c.3944G>A, p.Arg1315Lys (NM_015083.4); short protein forms R1324K, R1315K.
Identifiers: ClinVar variation 4651375 (VCV004651375.1).
Genomic context (GRCh38, chr17:39,530,814, plus strand): 5'-TTTTATCCCAGCCTGAAGCAGAGCCTCCTGGCCACCTGCCACATGAGCACCAGGCCTTGA[G>A]ACCAATGGAGTACTCCACCCGACCCCGTCCAAACAGGACTTATGGAAACACTGATGGGCC-3'
Protein context (NP_057591.2, residues 1314-1334): GHLPHEHQAL[Arg1324Lys]PMEYSTRPRP

ClinVar aggregate classification (germline): Uncertain significance (1 of 4 stars; one submission).

gnomAD v4.1: 2 of 1,614,158 alleles (0.00012%); highest among the groups gnomAD compares: Non-Finnish European, 0.00017%; no homozygotes.

Submission:

Ambry Genetics
Classification: Uncertain significance. Last evaluated: 2025-10-14. Review status: criteria provided, single submitter. Criteria: Ambry Variant Classification Scheme 2023. Collection method: clinical testing. Allele origin: germline.
Comment: The p.R1324K variant (also known as c.3971G>A), located in coding exon 14 of the CDK12 gene, results from a G to A substitution at nucleotide position 3971. The arginine at codon 1324 is replaced by lysine, an amino acid with highly similar properties. This amino acid position is conserved. In addition, this alteration is predicted to be tolerated by in silico analysis. Based on the available evidence, the clinical significance of this variant remains unclear.